The following is an entry in ClinVar:

NM_001943.5(DSG2):c.2235G>A (p.Thr745=)

Genes: DSG2 (desmoglein 2; plus strand), DSG2-AS1 (DSG2 antisense RNA 1; minus strand). Cytogenetic location: 18q12.1.
Variant type: single nucleotide variant.
Coding change: c.2235G>A on transcript NM_001943.5 (MANE Select); coding-DNA position 2235, G replaced by A.
Protein change: p.Thr745=; no amino-acid change (threonine 745 retained).
Molecular consequence: synonymous variant.
Genome position (GRCh38, 1-based): chr18:31,542,753, G>A. VCF-style: chr18-31542753-G-A. GRCh37 (hg19) VCF-style: chr18-29122716-G-A.
Identifiers: ClinVar variation 701715 (VCV000701715.41), dbSNP rs759572082, ClinGen allele CA297700267.

ClinVar aggregate classification (germline): Likely benign. Review status: criteria provided, multiple submitters, no conflicts (2 of 4 stars). 7 submissions from 7 submitters: Likely benign (7). Last evaluated 2026-01-26.

Conditions:
Cardiovascular phenotype. Identifiers: MedGen CN230736.
Arrhythmogenic right ventricular cardiomyopathy (ARVD). Also called: Arrhythmogenic cardiomyopathy; Cardiomyopathy, ARVC; Arrhythmogenic right ventricular dysplasia; Arrhythmogenic Right Ventricular Cardiomyopathy (ARVC). Identifiers: Orphanet 247, MedGen C0349788, MeSH D019571, MONDO:0016587. Disease mechanism: loss of function. Inheritance: Various modes of inheritance.
Cardiomyopathy (CMYO). Also called: Cardiomyopathies. Identifiers: Orphanet 167848, MedGen C0878544, MONDO:0004994, HP:0001638. Inheritance: Various modes of inheritance.
Arrhythmogenic right ventricular dysplasia 10. Also called: Arrhythmogenic Right Ventricular Dysplasia/Cardiomyopathy10; Arrhythmogenic right ventricular dysplasia/cardiomyopathy, type 10; ARRHYTHMOGENIC RIGHT VENTRICULAR DYSPLASIA, FAMILIAL, 10. Identifiers: MedGen C1857777, MONDO:0012434, OMIM 610193.

Allele frequency attached by ClinVar (database versions not stated): TOPMed 0.00003.
gnomAD v4.1: 95 of 1,613,856 alleles (0.0059%); highest among the groups gnomAD compares: Non-Finnish European, 0.0072%; no homozygotes.

Submissions (7):

Labcorp Genetics (formerly Invitae), Labcorp
Classification: Likely benign for Arrhythmogenic right ventricular dysplasia 10. Last evaluated: 2026-01-26. Review status: criteria provided, single submitter. Criteria: Invitae Variant Classification Sherloc (09022015). Collection method: clinical testing. Allele origin: germline.

All of Us Research Program, National Institutes of Health
Classification: Likely benign for Arrhythmogenic right ventricular cardiomyopathy. Last evaluated: 2024-08-06. Review status: criteria provided, single submitter. Criteria: ACMG Guidelines, 2015. Collection method: clinical testing. Allele origin: germline. Inheritance: Autosomal dominant inheritance. Observed: 14 variant alleles, 14 heterozygotes.
Comment: This study involves interpretation of variants in research participants for the purpose of population health screening. Participant phenotype was not available at the time of variant classification. Additional details can be found in publication PMID: 35346344, PMCID: PMC8962531

Blueprint Genetics
Classification: Likely benign. Last evaluated: 2024-02-16. Review status: criteria provided, single submitter. Criteria: ACMG Guidelines, 2015. Collection method: clinical testing. Allele origin: germline.

CeGaT Center for Human Genetics Tuebingen
Classification: Likely benign. Last evaluated: 2023-12-01. Review status: criteria provided, single submitter. Criteria: CeGaT Center For Human Genetics Tuebingen Variant Classification Criteria Version 2. Collection method: clinical testing. Allele origin: germline. Affected: yes. Observed: 1 variant allele.
Comment: DSG2: BP4, BP7

Ambry Genetics
Classification: Likely benign for Cardiovascular phenotype. Last evaluated: 2023-02-16. Review status: criteria provided, single submitter. Criteria: Ambry Variant Classification Scheme 2023. Collection method: clinical testing. Allele origin: germline.

Women's Health and Genetics/Laboratory Corporation of America, LabCorp
Classification: Likely benign. Last evaluated: 2021-07-26. Review status: criteria provided, single submitter. Criteria: LabCorp Variant Classification Summary - May 2015. Collection method: clinical testing. Allele origin: germline.

Color Diagnostics, LLC DBA Color Health
Classification: Likely benign for Cardiomyopathy. Last evaluated: 2018-12-03. Review status: criteria provided, single submitter. Criteria: ACMG Guidelines, 2015. Collection method: clinical testing. Allele origin: germline.